The following is an entry in ClinVar:

NM_001267550.2(TTN):c.46609C>T (p.Gln15537Ter)

Genes: TTN (titin; minus strand), TTN-AS1 (TTN antisense RNA 1; plus strand). Cytogenetic location: 2q31.2.
Variant type: single nucleotide variant.
Coding change: c.46609C>T on transcript NM_001267550.2 (MANE Select); coding-DNA position 46609, C replaced by T.
Protein change: p.Gln15537Ter; replaces glutamine 15537 with a stop codon.
Molecular consequence: nonsense.
Genome position (GRCh38, 1-based): chr2:178,619,708, G>A on the plus strand (C>T on the coding strand, the complement: TTN is on the minus strand). VCF-style: chr2-178619708-G-A. GRCh37 (hg19) VCF-style: chr2-179484435-G-A.
Other names: c.41686C>T, p.Gln13896Ter (NM_001256850.1); c.19414C>T, p.Gln6472Ter (NM_003319.4); c.38905C>T, p.Gln12969Ter (NM_133378.4); c.19789C>T, p.Gln6597Ter (NM_133432.3); c.19990C>T, p.Gln6664Ter (NM_133437.4); short protein forms Q13896*, Q15537*, Q12969*, Q6472*, Q6664*, Q6597*.
Identifiers: ClinVar variation 429682 (VCV000429682.5), dbSNP rs1131691528, ClinGen allele CA349623212.

ClinVar aggregate classification (germline): Conflicting classifications of pathogenicity. Review status: criteria provided, conflicting classifications (1 of 4 stars). 2 submissions from 2 submitters: Likely pathogenic (1); Uncertain significance (1). Last evaluated 2024-07-23.

Conditions:
Dilated cardiomyopathy 1G (CMD1G). Identifiers: Orphanet 154, MedGen C1858763, MONDO:0011400, OMIM 604145.
Autosomal recessive limb-girdle muscular dystrophy type 2J (LGMDR10). Also called: Limb-girdle muscular dystrophy, type 2J; MUSCULAR DYSTROPHY, LIMB-GIRDLE, AUTOSOMAL RECESSIVE 10. Identifiers: Orphanet 140922, MedGen C1837342, MONDO:0012127, OMIM 608807.

Submissions (2):

Labcorp Genetics (formerly Invitae), Labcorp
Classification: Likely pathogenic for Dilated cardiomyopathy 1G; Autosomal recessive limb-girdle muscular dystrophy type 2J. Last evaluated: 2024-07-23. Review status: criteria provided, single submitter. Criteria: Invitae Variant Classification Sherloc (09022015). Collection method: clinical testing. Allele origin: germline.
Comment: This sequence change creates a premature translational stop signal (p.Gln15537*) in the TTN gene. While this is not anticipated to result in nonsense mediated decay, it is expected to disrupt the last 20455 amino acid(s) of the TTN protein. This variant is not present in population databases (gnomAD no frequency). This variant has not been observed in the literature in individuals with autosomal recessive TTN-related conditions. This variant has been reported in individual(s) with dilated cardiomyopathy (Invitae); however, the role of the variant in this condition is currently unclear. ClinVar contains an entry for this variant (Variation ID: 429682). This variant is located in the I band of TTN (PMID: 25589632). Truncating variants in this region have been reported in individuals affected with autosomal recessive centronuclear myopathy (PMID: 23975875, Invitae internal data). Truncating variants in this region have also been identified in individuals affected with autosomal dominant dilated cardiomyopathy and/or cardio-related conditions (PMID: 27869827, 32964742, Invitae internal data). In summary, the currently available evidence indicates that the variant is pathogenic, but additional data are needed to prove that conclusively. Therefore, this variant has been classified as Likely Pathogenic.

GeneDx
Classification: Uncertain significance. Last evaluated: 2017-05-02. Review status: criteria provided, single submitter. Criteria: GeneDx Variant Classification (06012015). Collection method: clinical testing. Allele origin: germline. Affected: yes.
Comment: The Q13896X variant of uncertain significance in the TTN gene has not been reported as a pathogenic or benign to our knowledge. Q13896X is not observed in large population cohorts (Lek et al., 2016; 1000 Genomes Consortium et al., 2015; Exome Variant Server). The Q13896X variant is predicted to cause loss of normal protein function either by protein truncation or nonsense-mediated mRNA decay. However, other truncating TTN variants have been reported in approximately 3% of control alleles and this variant is not is located in the A-band region of titin, where the majority of truncating pathogenic variants associated with DCM have been reported (Herman et al., 2012).

Literature cited by the submitters: PubMed 25589632 (cited by Labcorp Genetics (formerly Invitae), Labcorp); PubMed 23975875 (cited by Labcorp Genetics (formerly Invitae), Labcorp); PubMed 27869827 (cited by Labcorp Genetics (formerly Invitae), Labcorp); PubMed 32964742 (cited by Labcorp Genetics (formerly Invitae), Labcorp).